The following is an entry in ClinVar:

NM_199420.4(POLQ):c.1687A>G (p.Met563Val)

Gene: POLQ (DNA polymerase theta; minus strand). Cytogenetic location: 3q13.33.
Variant type: single nucleotide variant.
Coding change: c.1687A>G on transcript NM_199420.4 (MANE Select); coding-DNA position 1687, A replaced by G.
Protein change: p.Met563Val; replaces methionine 563 with valine.
Molecular consequence: missense variant.
Genome position (GRCh38, 1-based): chr3:121,510,168, T>C on the plus strand (A>G on the coding strand, the complement: POLQ is on the minus strand). VCF-style: chr3-121510168-T-C. GRCh37 (hg19) VCF-style: chr3-121229015-T-C.
Other names: short protein forms M563V.
Identifiers: ClinVar variation 1778033 (VCV001778033.2), dbSNP rs375946286, ClinGen allele CA354115035.
Genomic context (GRCh38, chr3:121,510,168, plus strand): 5'-CAATCGCTCCAAGCTGAACAGACTCTTGATTTCTCTGAATTCCTTGCTTCCCTTCTTTCA[T>C]ACTTGCAGCCAAAAATGTGCAGGCAGCATAAGTATGCATATCTTGTGATGTACTTGCCAC-3'
Protein context (NP_955452.3, residues 553-573): YAACTFLAAS[Met563Val]KEGKQGIQRN

ClinVar aggregate classification (germline): Uncertain significance (1 of 4 stars; one submission).

Submission:

Ambry Genetics
Classification: Uncertain significance. Last evaluated: 2021-08-11. Review status: criteria provided, single submitter. Criteria: Ambry Variant Classification Scheme 2023. Collection method: clinical testing. Allele origin: germline.
Comment: The p.M563V variant (also known as c.1687A>G), located in coding exon 11 of the POLQ gene, results from an A to G substitution at nucleotide position 1687. The methionine at codon 563 is replaced by valine, an amino acid with highly similar properties. This amino acid position is conserved. In addition, this alteration is predicted to be tolerated by in silico analysis. Since supporting evidence is limited at this time, the clinical significance of this alteration remains unclear.